The following is an entry in ClinVar:

NM_000092.5(COL4A4):c.2643_2644insTCCAGGA (p.Gly882fs)

Gene: COL4A4 (collagen type IV alpha 4 chain; minus strand). Cytogenetic location: 2q36.3.
Variant type: Insertion.
Coding change: c.2643_2644insTCCAGGA on transcript NM_000092.5 (MANE Select); coding-DNA positions 2643 to 2644, TCCAGGA inserted.
Protein change: p.Gly882fs; shifts the reading frame from glycine 882.
Molecular consequence: frameshift variant.
Genome position: GRCh38 VCF-style: chr2-227056017-C-CTCCTGGA. GRCh37 (hg19) VCF-style: chr2-227920733-C-CTCCTGGA.
Other names: short protein forms G882fs.
Identifiers: ClinVar variation 5015994 (VCV005015994.1), dbSNP rs2150234843.

ClinVar aggregate classification (germline): Pathogenic (1 of 4 stars; one submission).

Conditions:
Alport syndrome. Also called: Hemorrhagic familial nephritis; Hemorrhagic hereditary nephritis; Congenital hereditary hematuria. Identifiers: Orphanet 63, MedGen C1567741, MONDO:0018965.

Submission:

Myriad Genetics, Inc.
Classification: Pathogenic for Alport syndrome. Last evaluated: 2026-06-05. Review status: criteria provided, single submitter. Criteria: Myriad Autosomal Dominant, Autosomal Recessive and X-Linked Classification Criteria (2023). Collection method: clinical testing. Allele origin: unknown.
Comment: NM_000092.4(COL4A4):c.2643_2644ins7(G882Sfs*17) is expected to be pathogenic in the context of Alport syndrome, COL4A4-related. This variant is predicted to lead to an abnormal or absent protein product due to the creation of a premature termination codon in COL4A4, a gene where loss-of-function variants are known to be pathogenic. Please note: this variant was assessed in the context of healthy population screening.